The following is an entry in ClinVar:

ClinVar aggregate classification (germline): Uncertain significance. Review status: criteria provided, multiple submitters, no conflicts (2 of 4 stars). 2 submissions from 2 submitters: Uncertain significance (2). Last evaluated 2022-06-28.

Allele frequency attached by ClinVar (database versions not stated): gnomAD exomes below 0.00001 and 0.00001; TOPMed below 0.00001.

Submissions (2):

Labcorp Genetics (formerly Invitae), Labcorp
Classification: Uncertain significance. Last evaluated: 2022-06-28. Review status: criteria provided, single submitter. Criteria: Invitae Variant Classification Sherloc (09022015). Collection method: clinical testing. Allele origin: germline.
Comment: This sequence change replaces methionine, which is neutral and non-polar, with isoleucine, which is neutral and non-polar, at codon 169 of the PTPN23 protein (p.Met169Ile). This variant is present in population databases (no rsID available, gnomAD 0.003%). In summary, the available evidence is currently insufficient to determine the role of this variant in disease. Therefore, it has been classified as a Variant of Uncertain Significance. Algorithms developed to predict the effect of missense changes on protein structure and function are either unavailable or do not agree on the potential impact of this missense change (SIFT: "Tolerated"; PolyPhen-2: "Not Available"; Align-GVGD: "Class C0"). ClinVar contains an entry for this variant (Variation ID: 1320814). This variant has not been reported in the literature in individuals affected with PTPN23-related conditions.

GeneDx
Classification: Uncertain significance. Last evaluated: 2020-03-09. Review status: criteria provided, single submitter. Criteria: GeneDx Variant Classification Process June 2021. Collection method: clinical testing. Allele origin: germline. Affected: yes.
Comment: In silico analysis supports that this missense variant does not alter protein structure/function; Has not been previously published as pathogenic or benign to our knowledge

NM_015466.4(PTPN23):c.507G>A (p.Met169Ile)

Gene: PTPN23 (protein tyrosine phosphatase non-receptor type 23; plus strand). Cytogenetic location: 3p21.31.
Variant type: single nucleotide variant.
Coding change: c.507G>A on transcript NM_015466.4 (MANE Select); coding-DNA position 507, G replaced by A.
Protein change: p.Met169Ile; replaces methionine 169 with isoleucine.
Molecular consequence: missense variant.
Genome position (GRCh38, 1-based): chr3:47,406,007, G>A. VCF-style: chr3-47406007-G-A. GRCh37 (hg19) VCF-style: chr3-47447497-G-A.
Other names: c.129G>A, p.Met43Ile (NM_001304482.2); short protein forms M169I, M43I.
Identifiers: ClinVar variation 1320814 (VCV001320814.5), dbSNP rs1203098643, ClinGen allele CA352543401.
Genomic context (GRCh38, chr3:47,406,007, plus strand): 5'-CGCAGCCGGCGCCTTCGCCTACCTACGGGAGCACTTCCCTCAAGCCTACAGCGTCGACAT[G>A]AGCCGCCAGATCCTTACGCTCAACGTCAACCTCATGCTGGTGAGGAGGCGCCCTGGTTGG-3'
Protein context (NP_056281.1, residues 159-179): EHFPQAYSVD[Met169Ile]SRQILTLNVN